The following is an entry in ClinVar:

NM_001009944.3(PKD1):c.3611C>T (p.Ala1204Val)

Gene: PKD1 (polycystin 1, transient receptor potential channel interacting; minus strand). Cytogenetic location: 16p13.3.
Variant type: single nucleotide variant.
Coding change: c.3611C>T on transcript NM_001009944.3 (MANE Select); coding-DNA position 3611, C replaced by T.
Protein change: p.Ala1204Val; replaces alanine 1204 with valine.
Molecular consequence: missense variant.
Genome position (GRCh38, 1-based): chr16:2,111,556, G>A on the plus strand (C>T on the coding strand, the complement: PKD1 is on the minus strand). VCF-style: chr16-2111556-G-A. GRCh37 (hg19) VCF-style: chr16-2161557-G-A.
Other names: c.3611C>T, p.Ala1204Val (NM_000296.4); short protein forms A1204V.
Identifiers: ClinVar variation 4927905 (VCV004927905.2).

ClinVar aggregate classification (germline): Conflicting classifications of pathogenicity. Review status: criteria provided, conflicting classifications (1 of 4 stars). 2 submissions from 2 submitters: Uncertain significance (1); Likely benign (1). Last evaluated 2025-09-29.

Conditions:
PKD1-related disorder. Also called: PKD1-related condition.

gnomAD v4.1: 137 of 1,583,342 alleles (0.0087%); highest among the groups gnomAD compares: South Asian, 0.0068%; no homozygotes.

Submissions (2):

PreventionGenetics, part of Exact Sciences
Classification: Uncertain significance for PKD1-related condition. Last evaluated: 2025-09-29. Review status: criteria provided, single submitter. Criteria: ACMG Guidelines, 2015. Collection method: clinical testing. Allele origin: germline.
Comment: The PKD1 c.3611C>T variant is predicted to result in the amino acid substitution p.Ala1204Val. To our knowledge, this variant has not been reported in the literature. This variant is reported in 0.064% of alleles in individuals of European (Finnish) descent in gnomAD. At this time, the clinical significance of this variant is uncertain due to the absence of conclusive functional and genetic evidence.

Blueprint Genetics
Classification: Likely benign. Last evaluated: 2024-02-24. Review status: criteria provided, single submitter. Criteria: ACMG Guidelines, 2015. Collection method: clinical testing. Allele origin: germline.